The following is an entry in ClinVar:

ClinVar aggregate classification (germline): Uncertain significance (1 of 4 stars; one submission).

Allele frequency attached by ClinVar (database versions not stated): TOPMed below 0.00001; gnomAD 0.00001; 1000 Genomes Project 30x 0.00016; 1000 Genomes Project 0.00020.
gnomAD v4.1: 13 of 1,614,178 alleles (0.00081%); highest among the groups gnomAD compares: Non-Finnish European, 0.0011%; no homozygotes.

Submission:

Labcorp Genetics (formerly Invitae), Labcorp
Classification: Uncertain significance. Last evaluated: 2022-12-18. Review status: criteria provided, single submitter. Criteria: Invitae Variant Classification Sherloc (09022015). Collection method: clinical testing. Allele origin: germline.
Comment: This sequence change replaces glutamic acid, which is acidic and polar, with lysine, which is basic and polar, at codon 256 of the SYT2 protein (p.Glu256Lys). This variant is present in population databases (rs146188377, gnomAD 0.0009%). This variant has not been reported in the literature in individuals affected with SYT2-related conditions. Advanced modeling of protein sequence and biophysical properties (such as structural, functional, and spatial information, amino acid conservation, physicochemical variation, residue mobility, and thermodynamic stability) performed at Invitae indicates that this missense variant is not expected to disrupt SYT2 protein function. In summary, the available evidence is currently insufficient to determine the role of this variant in disease. Therefore, it has been classified as a Variant of Uncertain Significance.

NM_177402.5(SYT2):c.766G>A (p.Glu256Lys)

Gene: SYT2 (synaptotagmin 2; minus strand). Cytogenetic location: 1q32.1.
Variant type: single nucleotide variant.
Coding change: c.766G>A on transcript NM_177402.5 (MANE Select); coding-DNA position 766, G replaced by A.
Protein change: p.Glu256Lys; replaces glutamic acid 256 with lysine.
Molecular consequence: missense variant.
Genome position (GRCh38, 1-based): chr1:202,601,925, C>T on the plus strand (G>A on the coding strand, the complement: SYT2 is on the minus strand). VCF-style: chr1-202601925-C-T. GRCh37 (hg19) VCF-style: chr1-202571053-C-T.
Other names: c.766G>A, p.Glu256Lys (NM_001136504.1); short protein forms E256K.
Identifiers: ClinVar variation 2781181 (VCV002781181.3), dbSNP rs146188377, ClinGen allele CA35579752.